The following is an entry in ClinVar:

NM_183235.3(RAB27A):c.465T>A (p.Tyr155Ter)

Gene: RAB27A (RAB27A, member RAS oncogene family; minus strand). Cytogenetic location: 15q21.3.
Variant type: single nucleotide variant.
Coding change: c.465T>A on transcript NM_183235.3 (MANE Select); coding-DNA position 465, T replaced by A.
Protein change: p.Tyr155Ter; replaces tyrosine 155 with a stop codon.
Molecular consequence: nonsense.
Genome position (GRCh38, 1-based): chr15:55,223,891, A>T on the plus strand (T>A on the coding strand, the complement: RAB27A is on the minus strand). VCF-style: chr15-55223891-A-T. GRCh37 (hg19) VCF-style: chr15-55516089-A-T.
Other names: c.465T>A, p.Tyr155Ter (NM_004580.5, NM_183234.3, NM_183236.3); short protein forms Y155*.
Identifiers: ClinVar variation 2710378 (VCV002710378.3), dbSNP rs1316745675, ClinGen allele CA392529463.
Genomic context (GRCh38, chr15:55,223,891, plus strand): 5'-ACCTGCTAATGTTTATATTGAAAATGTTTTCTCTAGACTTCTCCACAAAAATACTCACCC[A>T]TATTTCTCTGCGAGTGCTATGGCTTCCTCCTCTTTCACTACTCTCTGGTCCTCCAGATCA-3'

ClinVar aggregate classification (germline): Pathogenic (1 of 4 stars; one submission).

Conditions:
Griscelli syndrome type 2 (GS2). Also called: GRISCELLI SYNDROME WITH HEMOPHAGOCYTIC SYNDROME; PAID SYNDROME; PARTIAL ALBINISM AND IMMUNODEFICIENCY SYNDROME. Identifiers: Orphanet 381, Orphanet 79477, MedGen C1868679, MONDO:0011872, OMIM 607624.

gnomAD v4.1: 1 of 1,613,500 alleles (0.000062%); no homozygotes.

Submission:

Labcorp Genetics (formerly Invitae), Labcorp
Classification: Pathogenic for Griscelli syndrome type 2. Last evaluated: 2024-01-19. Review status: criteria provided, single submitter. Criteria: Invitae Variant Classification Sherloc (09022015). Collection method: clinical testing. Allele origin: germline.
Comment: This sequence change creates a premature translational stop signal (p.Tyr155*) in the RAB27A gene. While this is not anticipated to result in nonsense mediated decay, it is expected to disrupt the last 67 amino acid(s) of the RAB27A protein. This variant is present in population databases (no rsID available, gnomAD no frequency). This variant has not been reported in the literature in individuals affected with RAB27A-related conditions. This variant disrupts a region of the RAB27A protein in which other variant(s) (p.Arg184*) have been determined to be pathogenic (PMID: 10835631, 15475639, 18397837, 19030707, 19953648, 25071262, 25500851). This suggests that this is a clinically significant region of the protein, and that variants that disrupt it are likely to be disease-causing. For these reasons, this variant has been classified as Pathogenic.

Literature cited by the submitters: PubMed 10835631; PubMed 15475639; PubMed 18397837; PubMed 19030707; PubMed 19953648; PubMed 25071262; PubMed 25500851.